The following is an entry in ClinVar:

ClinVar aggregate classification (germline): Uncertain significance (1 of 4 stars; one submission).

Conditions:
Cardiovascular phenotype. Identifiers: MedGen CN230736.

Submission:

Ambry Genetics
Classification: Uncertain significance for Cardiovascular phenotype. Last evaluated: 2023-02-03. Review status: criteria provided, single submitter. Criteria: Ambry Variant Classification Scheme 2023. Collection method: clinical testing. Allele origin: germline.
Comment: The p.N233I variant (also known as c.698A>T), located in coding exon 5 of the SOS1 gene, results from an A to T substitution at nucleotide position 698. The asparagine at codon 233 is replaced by isoleucine, an amino acid with dissimilar properties. This amino acid position is conserved. In addition, the in silico prediction for this alteration is inconclusive. Since supporting evidence is limited at this time, the clinical significance of this alteration remains unclear.

NM_005633.4(SOS1):c.698A>T (p.Asn233Ile)

Gene: SOS1 (SOS Ras/Rac guanine nucleotide exchange factor 1; minus strand). Cytogenetic location: 2p22.1.
Variant type: single nucleotide variant.
Coding change: c.698A>T on transcript NM_005633.4 (MANE Select); coding-DNA position 698, A replaced by T.
Protein change: p.Asn233Ile; replaces asparagine 233 with isoleucine.
Molecular consequence: missense variant.
Genome position (GRCh38, 1-based): chr2:39,054,636, T>A on the plus strand (A>T on the coding strand, the complement: SOS1 is on the minus strand). VCF-style: chr2-39054636-T-A. GRCh37 (hg19) VCF-style: chr2-39281777-T-A.
Other names: c.677A>T, p.Asn226Ile (NM_001382394.1); c.698A>T, p.Asn233Ile (NM_001382395.1); short protein forms N233I, N226I.
Identifiers: ClinVar variation 2453702 (VCV002453702.2), dbSNP rs144934321, ClinGen allele CA346372950.